The following is an entry in ClinVar:

NM_024649.5(BBS1):c.726G>A (p.Met242Ile)

Genes: BBS1 (Bardet-Biedl syndrome 1; plus strand), ZDHHC24 (zDHHC palmitoyltransferase 24; minus strand). Cytogenetic location: 11q13.2.
Variant type: single nucleotide variant.
Coding change: c.726G>A on transcript NM_024649.5 (MANE Select); coding-DNA position 726, G replaced by A.
Protein change: p.Met242Ile; replaces methionine 242 with isoleucine.
Molecular consequence: missense variant. On other transcripts: 3 prime UTR variant (1).
Genome position (GRCh38, 1-based): chr11:66,521,272, G>A. VCF-style: chr11-66521272-G-A. GRCh37 (hg19) VCF-style: chr11-66288743-G-A.
Other names: c.*216C>T (NM_001348571.2); short protein forms M242I.
Identifiers: ClinVar variation 283883 (VCV000283883.17), dbSNP rs773588060, ClinGen allele CA6123473.
Genomic context (GRCh38, chr11:66,521,272, plus strand): 5'-GGGCAGGGAGGGACGGGGGCTCCAGAGAAATTGGAGTGTTTGCGCTTCTTGTTTGCAGAT[G>A]AGCCTTCCCAGCGTCCCCGTCTTCCTAGAGGTTTCTGGCCAGTTTGATGTTGAGTTCCGG-3'
Protein context (NP_078925.3, residues 232-252): DPEAFTILAK[Met242Ile]SLPSVPVFLE

ClinVar aggregate classification (germline): Uncertain significance. Review status: criteria provided, multiple submitters, no conflicts (2 of 4 stars). 7 submissions from 7 submitters: Uncertain significance (6). 1 of the submissions does not count toward it. Last evaluated 2026-02-27.

Conditions:
BBS1-related disorder. Also called: BBS1-related condition.
Inborn genetic diseases. Identifiers: MedGen C0950123, MeSH D030342.
Bardet-Biedl syndrome 1 (BBS1). Identifiers: MedGen C2936862, MONDO:0008854, OMIM 209900. Disease mechanism: loss of function.
Bardet-Biedl syndrome (BBS). Identifiers: Orphanet 110, MedGen C0752166, MONDO:0015229.

Allele frequency attached by ClinVar (database versions not stated): gnomAD exomes 0.00005 and 0.00001; gnomAD 0.00003; ExAC 0.00001; TOPMed 0.00005.
gnomAD v4.1: 18 of 1,613,716 alleles (0.0011%); highest among the groups gnomAD compares: Admixed American, 0.028%; 1 homozygote.

Submissions (7):

PreventionGenetics, part of Exact Sciences
Classification: Uncertain significance for BBS1-related condition. Last evaluated: 2026-02-27. Review status: criteria provided, single submitter. Criteria: ACMG Guidelines, 2015. Collection method: clinical testing. Allele origin: germline.
Comment: The BBS1 c.726G>A variant is predicted to result in the amino acid substitution p.Met242Ile. To our knowledge, this variant has not been reported in the literature. This variant is reported in 0.028% of alleles in individuals of Latino descent in gnomAD, including one homozygous individual. Although we suspect that this variant may be benign, at this time, the clinical significance of this variant is uncertain due to the absence of conclusive functional and genetic evidence.

Ambry Genetics
Classification: Uncertain significance for Inborn genetic diseases. Last evaluated: 2025-10-18. Review status: criteria provided, single submitter. Criteria: Ambry Variant Classification Scheme 2023. Collection method: clinical testing. Allele origin: germline.

Labcorp Genetics (formerly Invitae), Labcorp
Classification: Uncertain significance for Bardet-Biedl syndrome. Last evaluated: 2024-10-26. Review status: criteria provided, single submitter. Criteria: Invitae Variant Classification Sherloc (09022015). Collection method: clinical testing. Allele origin: germline.
Comment: This sequence change replaces methionine, which is neutral and non-polar, with isoleucine, which is neutral and non-polar, at codon 242 of the BBS1 protein (p.Met242Ile). This variant is present in population databases (rs773588060, gnomAD 0.03%), including at least one homozygous and/or hemizygous individual. This variant has not been reported in the literature in individuals affected with BBS1-related conditions. ClinVar contains an entry for this variant (Variation ID: 283883). Invitae Evidence Modeling of protein sequence and biophysical properties (such as structural, functional, and spatial information, amino acid conservation, physicochemical variation, residue mobility, and thermodynamic stability) has been performed for this missense variant. However, the output from this modeling did not meet the statistical confidence thresholds required to predict the impact of this variant on BBS1 protein function. In summary, the available evidence is currently insufficient to determine the role of this variant in disease. Therefore, it has been classified as a Variant of Uncertain Significance.

Fulgent Genetics
Classification: Uncertain significance for Bardet-Biedl syndrome 1. Last evaluated: 2024-04-10. Review status: criteria provided, single submitter. Criteria: ACMG Guidelines, 2015. Collection method: clinical testing. Allele origin: germline.

Blueprint Genetics
Classification: Uncertain significance. Last evaluated: 2022-10-28. Review status: criteria provided, single submitter. Criteria: ACMG Guidelines, 2015. Collection method: clinical testing. Allele origin: germline.

Eurofins Ntd Llc (ga)
Classification: Uncertain significance. Last evaluated: 2015-10-14. Review status: criteria provided, single submitter. Criteria: EGL Classification Definitions 2015. Collection method: clinical testing. Allele origin: germline. Observed: 1 variant allele, 1 heterozygote.

Natera, Inc.
Classification: Uncertain significance for Bardet-Biedl syndrome type 1. Last evaluated: 2020-09-16. Review status: no assertion criteria provided. Collection method: clinical testing. Allele origin: germline. Not counted in ClinVar's aggregate classification.